The following is an entry in ClinVar:

ClinVar aggregate classification (germline): Uncertain significance (1 of 4 stars; one submission).

Allele frequency attached by ClinVar (database versions not stated): gnomAD exomes below 0.00001.
gnomAD v4.1: 2 of 1,614,134 alleles (0.00012%); highest among the groups gnomAD compares: South Asian, 0.0011%; no homozygotes.

Submission:

Labcorp Genetics (formerly Invitae), Labcorp
Classification: Uncertain significance. Last evaluated: 2023-08-31. Review status: criteria provided, single submitter. Criteria: Invitae Variant Classification Sherloc (09022015). Collection method: clinical testing. Allele origin: germline.
Comment: Advanced modeling of protein sequence and biophysical properties (such as structural, functional, and spatial information, amino acid conservation, physicochemical variation, residue mobility, and thermodynamic stability) performed at Invitae indicates that this missense variant is expected to disrupt COL2A1 protein function. In summary, the available evidence is currently insufficient to determine the role of this variant in disease. Therefore, it has been classified as a Variant of Uncertain Significance. This variant has not been reported in the literature in individuals affected with COL2A1-related conditions. This sequence change replaces isoleucine, which is neutral and non-polar, with methionine, which is neutral and non-polar, at codon 1462 of the COL2A1 protein (p.Ile1462Met). This variant is not present in population databases (gnomAD no frequency).

NM_001844.5(COL2A1):c.4386C>G (p.Ile1462Met)

Gene: COL2A1 (collagen type II alpha 1 chain; minus strand). Cytogenetic location: 12q13.11.
Variant type: single nucleotide variant.
Coding change: c.4386C>G on transcript NM_001844.5 (MANE Select); coding-DNA position 4386, C replaced by G.
Protein change: p.Ile1462Met; replaces isoleucine 1462 with methionine.
Molecular consequence: missense variant.
Genome position (GRCh38, 1-based): chr12:47,973,485, G>C on the plus strand (C>G on the coding strand, the complement: COL2A1 is on the minus strand). VCF-style: chr12-47973485-G-C. GRCh37 (hg19) VCF-style: chr12-48367268-G-C.
Other names: c.4179C>G, p.Ile1393Met (NM_033150.3); short protein forms I1462M, I1393M.
Identifiers: ClinVar variation 3008620 (VCV003008620.3), dbSNP rs2540091350, ClinGen allele CA384533232.